The following is an entry in ClinVar:

NM_015346.4(ZFYVE26):c.893C>T (p.Pro298Leu)

Gene: ZFYVE26 (zinc finger FYVE-type containing 26; minus strand). Cytogenetic location: 14q24.1.
Variant type: single nucleotide variant.
Coding change: c.893C>T on transcript NM_015346.4 (MANE Select); coding-DNA position 893, C replaced by T.
Protein change: p.Pro298Leu; replaces proline 298 with leucine.
Molecular consequence: missense variant.
Genome position (GRCh38, 1-based): chr14:67,806,669, G>A on the plus strand (C>T on the coding strand, the complement: ZFYVE26 is on the minus strand). VCF-style: chr14-67806669-G-A. GRCh37 (hg19) VCF-style: chr14-68273386-G-A.
Other names: p.Pro298Leu; short protein forms P298L.
Identifiers: ClinVar variation 3473626 (VCV003473626.2).
Genomic context (GRCh38, chr14:67,806,669, plus strand): 5'-TCGGCTGGGTTGGGATTGGAGAACAGGGCTAGCATTGCCCGCTCAGGATCTAGATGATCC[G>A]GTGAGACTGAACATCAAACAAGACGGTTATCAGGAAACCAAGAACTCTTCTTTTCTAAGC-3'
Protein context (NP_056161.2, residues 288-308): PRATASGKVS[Pro298Leu]DHLDPERAML

ClinVar aggregate classification (germline): Uncertain significance. Review status: criteria provided, multiple submitters, no conflicts (2 of 4 stars). 2 submissions from 2 submitters: Uncertain significance (2). Last evaluated 2024-11-13.

Conditions:
Inborn genetic diseases. Identifiers: MedGen C0950123, MeSH D030342.

gnomAD v4.1: 26 of 1,613,832 alleles (0.0016%); highest among the groups gnomAD compares: African/African-American, 0.019%; no homozygotes.

Submissions (2):

Ambry Genetics
Classification: Uncertain significance for Inborn genetic diseases. Last evaluated: 2024-11-13. Review status: criteria provided, single submitter. Criteria: Ambry Variant Classification Scheme 2023. Collection method: clinical testing. Allele origin: germline.

Mayo Clinic Laboratories, Mayo Clinic
Classification: Uncertain significance. Last evaluated: 2024-10-22. Review status: criteria provided, single submitter. Criteria: ACMG Guidelines, 2015. Collection method: clinical testing. Allele origin: germline. Observed: 1 variant allele.
Comment: BP4, PM2_supporting